The following is an entry in ClinVar:

ClinVar aggregate classification (germline): Likely benign. Review status: criteria provided, multiple submitters, no conflicts (2 of 4 stars). 2 submissions from 2 submitters: Likely benign (2). Last evaluated 2024-04-18.

Conditions:
Arginine:glycine amidinotransferase deficiency (CCDS3). Also called: AGAT deficiency; Creatine deficiency syndrome due to AGAT deficiency; GATM deficiency; Cerebral creatine deficiency syndrome 3; L-Arginine:Glycine Amidinotransferase Deficiency; L-Arginine:Glycine Amidinotransferase (AGAT) Deficiency. Identifiers: Orphanet 35704, MedGen C2675179, MONDO:0012996, OMIM 612718.

Allele frequency attached by ClinVar (database versions not stated): gnomAD exomes below 0.00001 and 0.00001; ExAC 0.00001; gnomAD 0.00001; TOPMed 0.00001; ESP Exome Variant Server 0.00008.
gnomAD v4.1: 8 of 1,614,042 alleles (0.0005%); highest among the groups gnomAD compares: Admixed American, 0.0017%; no homozygotes.

Submissions (2):

Labcorp Genetics (formerly Invitae), Labcorp
Classification: Likely benign for Arginine:glycine amidinotransferase deficiency. Last evaluated: 2024-04-18. Review status: criteria provided, single submitter. Criteria: Invitae Variant Classification Sherloc (09022015). Collection method: clinical testing. Allele origin: germline.

GeneDx
Classification: Likely benign. Last evaluated: 2016-08-11. Review status: criteria provided, single submitter. Criteria: GeneDx Variant Classification (06012015). Collection method: clinical testing. Allele origin: germline. Affected: yes.
Comment: This variant is considered likely benign or benign based on one or more of the following criteria: it is a conservative change, it occurs at a poorly conserved position in the protein, it is predicted to be benign by multiple in silico algorithms, and/or has population frequency not consistent with disease.

NM_001482.3(GATM):c.105T>C (p.Thr35=)

Gene: GATM (glycine amidinotransferase; minus strand). Cytogenetic location: 15q21.1.
Variant type: single nucleotide variant.
Coding change: c.105T>C on transcript NM_001482.3 (MANE Select); coding-DNA position 105, T replaced by C.
Protein change: p.Thr35=; no amino-acid change (threonine 35 retained).
Molecular consequence: synonymous variant. On other transcripts: 5 prime UTR variant (1).
Genome position (GRCh38, 1-based): chr15:45,376,784, A>G on the plus strand (T>C on the coding strand, the complement: GATM is on the minus strand). VCF-style: chr15-45376784-A-G. GRCh37 (hg19) VCF-style: chr15-45668982-A-G.
Other names: c.-283T>C (NM_001321015.2).
Identifiers: ClinVar variation 388586 (VCV000388586.4), dbSNP rs372089316, ClinGen allele CA7542995.
Genomic context (GRCh38, chr15:45,376,784, plus strand): 5'-TTTGTCGTCAGCTGCACAGGAGTTCCGGGAGGAAGCCGTAGCTGCCTGGGTGCTCTGGAA[A>G]GTTCGCTGCACCCATCCTGTCAAGGTTCGTCCAAGCTTCCAAGAACAAAGAAAAGATTAT-3'
Protein context (NP_001473.1, residues 25-45): GRTLTGWVQR[Thr35=]FQSTQAATAS